The following is an entry in ClinVar:

ClinVar aggregate classification (germline): Uncertain significance (1 of 4 stars; one submission).

Conditions:
Episodic ataxia type 1 (EA1). Also called: Episodic ataxia/myokymia syndrome; ATAXIA, EPISODIC, WITH MYOKYMIA; MYOKYMIA WITH PERIODIC ATAXIA; PAROXYSMAL ATAXIA WITH NEUROMYOTONIA, HEREDITARY. Identifiers: Orphanet 37612, Orphanet 972, MedGen C1719788, MONDO:0008047, OMIM 160120.

Submission:

Labcorp Genetics (formerly Invitae), Labcorp
Classification: Uncertain significance for Episodic ataxia type 1. Last evaluated: 2025-10-10. Review status: criteria provided, single submitter. Criteria: Invitae Variant Classification Sherloc (09022015). Collection method: clinical testing. Allele origin: germline.
Comment: This sequence change replaces methionine, which is neutral and non-polar, with threonine, which is neutral and polar, at codon 455 of the KCNA1 protein (p.Met455Thr). This variant is not present in population databases (gnomAD no frequency). This variant has not been reported in the literature in individuals affected with KCNA1-related conditions. Invitae Evidence Modeling of protein sequence and biophysical properties (such as structural, functional, and spatial information, amino acid conservation, physicochemical variation, residue mobility, and thermodynamic stability) indicates that this missense variant is not expected to disrupt KCNA1 protein function with a negative predictive value of 80%. In summary, the available evidence is currently insufficient to determine the role of this variant in disease. Therefore, it has been classified as a Variant of Uncertain Significance.

NM_000217.3(KCNA1):c.1364T>C (p.Met455Thr)

Gene: KCNA1 (potassium voltage-gated channel subfamily A member 1; plus strand). Cytogenetic location: 12p13.32.
Variant type: single nucleotide variant.
Coding change: c.1364T>C on transcript NM_000217.3 (MANE Select); coding-DNA position 1364, T replaced by C.
Protein change: p.Met455Thr; replaces methionine 455 with threonine.
Molecular consequence: missense variant.
Genome position (GRCh38, 1-based): chr12:4,912,742, T>C. VCF-style: chr12-4912742-T-C. GRCh37 (hg19) VCF-style: chr12-5021908-T-C.
Other names: short protein forms M455T.
Identifiers: ClinVar variation 4770123 (VCV004770123.1).
Genomic context (GRCh38, chr12:4,912,742, plus strand): 5'-TAGCCTCTGACAGTGACCTCAGTCGCCGCAGTTCCTCTACTATGAGCAAGTCTGAGTACA[T>C]GGAGATCGAAGAGGATATGAATAATAGCATAGCCCATTATAGACAGGTCAATATCAGAAC-3'
Protein context (NP_000208.2, residues 445-465): SSSTMSKSEY[Met455Thr]EIEEDMNNSI